The following is an entry in ClinVar:

NM_014249.4(NR2E3):c.1025T>C (p.Val342Ala)

Gene: NR2E3 (nuclear receptor subfamily 2 group E member 3; plus strand). Cytogenetic location: 15q23.
Variant type: single nucleotide variant.
Coding change: c.1025T>C on transcript NM_014249.4 (MANE Select); coding-DNA position 1025, T replaced by C.
Protein change: p.Val342Ala; replaces valine 342 with alanine.
Molecular consequence: missense variant.
Genome position (GRCh38, 1-based): chr15:71,814,042, T>C. VCF-style: chr15-71814042-T-C. GRCh37 (hg19) VCF-style: chr15-72106383-T-C.
Other names: c.1025T>C, p.Val342Ala (NM_016346.4); c.1025T>C (NM_014249.3); short protein forms V342A.
Identifiers: ClinVar variation 1021352 (VCV001021352.14), dbSNP rs757665544, ClinGen allele CA7640481.

ClinVar aggregate classification (germline): Conflicting classifications of pathogenicity. Review status: criteria provided, conflicting classifications (1 of 4 stars). 6 submissions from 6 submitters: Pathogenic (1); Likely pathogenic (4); Uncertain significance (1). Last evaluated 2026-08-18.

Conditions:
NR2E3-related disorder. Also called: NR2E3-related disorders; NR2E3-related condition. Identifiers: MedGen CN239387.
ENHANCED S-CONE SYNDROME 1 (ESCS1). Also called: RETINOSCHISIS WITH EARLY HEMERALOPIA; FAVRE HYALOIDEORETINAL DEGENERATION. Identifiers: MedGen CN380299, OMIM 268100.
Enhanced S-cone syndrome (ESCS). Identifiers: Orphanet 53540, MedGen C1849394, MONDO:0100288, MONDO:0009989.

Allele frequency attached by ClinVar (database versions not stated): gnomAD exomes below 0.00001 and 0.00004; ExAC 0.00001; gnomAD 0.00003 and 0.00004; TOPMed 0.00004.
gnomAD v4.1: 64 of 1,612,698 alleles (0.004%); highest among the groups gnomAD compares: Non-Finnish European, 0.0052%; no homozygotes.

Submissions (6):

Myriad Genetics, Inc.
Classification: Uncertain significance for ENHANCED S-CONE SYNDROME 1. Last evaluated: 2026-08-18. Review status: criteria provided, single submitter. Criteria: Myriad Autosomal Dominant, Autosomal Recessive and X-Linked Classification Criteria (2023). Collection method: clinical testing. Allele origin: unknown.
Comment: NM_014249.2(NR2E3):c.1025T>C(V342A) is a missense variant classified as a variant of uncertain significance in the context of enhanced S-cone syndrome. V342A has been observed in cases with relevant disease (PMID: 25079116, 32679203, 38219857). Relevant functional assessments of this variant are not available in the literature. V342A has been observed in referenced population frequency databases. In summary, there is insufficient evidence to classify NM_014249.2(NR2E3):c.1025T>C(V342A) as pathogenic or benign. Please note: this variant was assessed in the context of healthy population screening.

Natera, Inc.
Classification: Likely pathogenic for Enhanced S cone syndrome. Last evaluated: 2025-11-05. Review status: criteria provided, single submitter. Criteria: Natera Variant Classification Schema (03/2026). Collection method: clinical testing. Allele origin: germline.
Comment: The c.1025T>C variant in NR2E3 is a missense variant predicted to cause substitution of valine to alanine at amino acid 342. This variant is rare in the general population with a frequency below the threshold expected for the associated phenotype(s). This variant has been observed in one or more individuals affected with the associated recessive disease, as either homozygous or compound heterozygous with a second variant (PMID: 25079116, 38219857). Additionally, this variant has been observed to segregate in affected family members (PMID: 25079116). Computational prediction algorithms indicate this variant is likely to affect gene or protein function. Given the available evidence, this variant is classified as Likely Pathogenic.

Women's Health and Genetics/Laboratory Corporation of America, LabCorp
Classification: Likely pathogenic for Enhanced S-cone syndrome. Last evaluated: 2025-09-26. Review status: criteria provided, single submitter. Criteria: LabCorp Variant Classification Summary - May 2015. Collection method: clinical testing. Allele origin: germline.
Comment: Variant summary: NR2E3 c.1025T>C (p.Val342Ala) results in a non-conservative amino acid change located in the Nuclear hormone receptor, ligand-binding domain (IPR000536) of the encoded protein sequence. Algorithms developed to predict the effect of missense changes on protein structure and function are either unavailable or do not agree on the potential impact of this missense change. The variant allele was found at a frequency of 4.1e-06 in 246620 control chromosomes. c.1025T>C has been observed in compound heterozygous state in at least three individuals affected with enhanced S-cone syndrome (ESCS)/inherited retinal disease (e.g. Hull_2014, deCarvalho_2021, Lin_2024). These data indicate that the variant may be associated with disease. To our knowledge, no experimental evidence demonstrating an impact on protein function has been reported. The following publications have been ascertained in the context of this evaluation (PMID: 25079116, 38219857, 32679203, 32581362). ClinVar contains an entry for this variant (Variation ID: 1021352). Based on the evidence outlined above, the variant was classified as likely pathogenic.

Labcorp Genetics (formerly Invitae), Labcorp
Classification: Likely pathogenic. Last evaluated: 2025-09-04. Review status: criteria provided, single submitter. Criteria: Invitae Variant Classification Sherloc (09022015). Collection method: clinical testing. Allele origin: germline.
Comment: This sequence change replaces valine, which is neutral and non-polar, with alanine, which is neutral and non-polar, at codon 342 of the NR2E3 protein (p.Val342Ala). This variant is present in population databases (rs757665544, gnomAD 0.0009%). This missense change has been observed in individual(s) with autosomal recessive enhanced s-cone syndrome and/or NR2E3-related conditions (PMID: 25079116, 38219857). In at least one individual the data is consistent with being in trans (on the opposite chromosome) from a pathogenic variant. It has also been observed to segregate with disease in related individuals. ClinVar contains an entry for this variant (Variation ID: 1021352). Invitae Evidence Modeling of protein sequence and biophysical properties (such as structural, functional, and spatial information, amino acid conservation, physicochemical variation, residue mobility, and thermodynamic stability) has been performed for this missense variant. However, the output from this modeling did not meet the statistical confidence thresholds required to predict the impact of this variant on NR2E3 protein function. In summary, the currently available evidence indicates that the variant is pathogenic, but additional data are needed to prove that conclusively. Therefore, this variant has been classified as Likely Pathogenic.

Baylor Genetics
Classification: Likely pathogenic for ENHANCED S-CONE SYNDROME 1. Last evaluated: 2024-01-08. Review status: criteria provided, single submitter. Criteria: ACMG Guidelines, 2015. Collection method: clinical testing. Allele origin: unknown.

Blueprint Genetics
Classification: Pathogenic for NR2E3-related disorders. Last evaluated: 2022-04-27. Review status: criteria provided, single submitter. Criteria: ACMG Guidelines, 2015. Collection method: clinical testing. Allele origin: germline. Affected: yes. Observed: 2 variant alleles.

Literature cited by the submitters: PubMed 25079116 (cited by 4 submitters); PubMed 32679203 (cited by Myriad Genetics, Inc. and Women's Health and Genetics/Laboratory Corporation of America, LabCorp); PubMed 38219857 (cited by 4 submitters); PubMed 32581362 (cited by Women's Health and Genetics/Laboratory Corporation of America, LabCorp).